The following is an entry in ClinVar:

ClinVar aggregate classification (germline): Pathogenic. Review status: criteria provided, single submitter (1 of 4 stars). 2 submissions from 2 submitters: Pathogenic (1). 1 of the submissions does not count toward it. Last evaluated 2025-05-08.

Conditions:
Alkaptonuria (AKU). Also called: HOMOGENTISIC ACID OXIDASE DEFICIENCY; Alcaptonuria; Homogentisic acidura; Alkaptonuric ochronosis. Identifiers: Orphanet 56, MedGen C0002066, MONDO:0008753, OMIM 203500.

Allele frequency attached by ClinVar (database versions not stated): gnomAD 0.00002.
gnomAD v4.1: 3 of 1,613,962 alleles (0.00019%); highest among the groups gnomAD compares: Middle Eastern, 0.049%; no homozygotes.

Submissions (2):

Women's Health and Genetics/Laboratory Corporation of America, LabCorp
Classification: Pathogenic for Alkaptonuria. Last evaluated: 2025-05-08. Review status: criteria provided, single submitter. Criteria: LabCorp Variant Classification Summary - May 2015. Collection method: clinical testing. Allele origin: germline.
Comment: Variant summary: HGD c.368G>C (p.Gly123Ala) results in a non-conservative amino acid change in the encoded protein sequence. Algorithms developed to predict the effect of missense changes on protein structure and function all suggest that this variant is likely to be disruptive. The variant was absent in 251398 control chromosomes. c.368G>C has been observed in multiple homozygous individuals affected with Alkaptonuria (Zatkova_2011, Nemethova_2016, Ascher_2019). These data indicate that the variant is very likely to be associated with disease. To our knowledge, no experimental evidence demonstrating an impact on protein function has been reported. The following publications have been ascertained in the context of this evaluation (PMID: 30737480, 25804398, 21720873, 23430897). ClinVar contains an entry for this variant (Variation ID: 2626837). Based on the evidence outlined above, the variant was classified as pathogenic.

Department Of Human Genetics, Institute Of Clinical And Translational Research, Biomedical Research Center, Slovak Academy Of Sciences
Classification: Pathogenic for Alkaptonuria. Review status: no assertion criteria provided. Collection method: research. Allele origin: germline. Inheritance: Autosomal recessive inheritance. Affected: yes. Observed: 14 variant alleles. Not counted in ClinVar's aggregate classification.
Comment: The variant was described in AKU patient in PMID:23430897. It has been submitted to the HGD gene mutation database (DB-ID: AKU_00033).

Literature cited by the submitters: PubMed 30737480 (cited by Women's Health and Genetics/Laboratory Corporation of America, LabCorp); PubMed 23430897 (cited by Women's Health and Genetics/Laboratory Corporation of America, LabCorp and Department Of Human Genetics, Institute Of Clinical And Translational Research, Biomedical Research Center, Slovak Academy Of Sciences); PubMed 21720873 (cited by Women's Health and Genetics/Laboratory Corporation of America, LabCorp); PubMed 25804398 (cited by Women's Health and Genetics/Laboratory Corporation of America, LabCorp).

NM_000187.4(HGD):c.368G>C (p.Gly123Ala)

Gene: HGD (homogentisate 1,2-dioxygenase; minus strand). Cytogenetic location: 3q13.33.
Variant type: single nucleotide variant.
Coding change: c.368G>C on transcript NM_000187.4 (MANE Select); coding-DNA position 368, G replaced by C.
Protein change: p.Gly123Ala; replaces glycine 123 with alanine.
Molecular consequence: missense variant.
Genome position (GRCh38, 1-based): chr3:120,650,840, C>G on the plus strand (G>C on the coding strand, the complement: HGD is on the minus strand). VCF-style: chr3-120650840-C-G. GRCh37 (hg19) VCF-style: chr3-120369687-C-G.
Other names: short protein forms G123A.
Identifiers: ClinVar variation 2626837 (VCV002626837.2), dbSNP rs374473331, ClinGen allele CA81789629.
Genomic context (GRCh38, chr3:120,650,840, plus strand): 5'-TCCATGGAGGTATTGCAGAGGAAAATGTGGATAGCAAGCCCATTGTTAGACTTTATGTCT[C>G]CAGCTCCACACAAGGTATGCAGGCCCTGGGAGAGACCCACAGAAGAGGGAAAGGTTAATG-3'
Protein context (NP_000178.2, residues 113-133): VSGLHTLCGA[Gly123Ala]DIKSNNGLAI